The following is an entry in ClinVar:

ClinVar aggregate classification (germline): Likely benign (1 of 4 stars; one submission).

Conditions:
Rett syndrome (RTT). Also called: AUTISM, DEMENTIA, ATAXIA, AND LOSS OF PURPOSEFUL HAND USE; Rett's disorder. Identifiers: Orphanet 3095, Orphanet 778, MedGen C0035372, MONDO:0010726, OMIM 312750.

gnomAD v4.1: 33 of 1,196,130 alleles (0.0028%); highest among the groups gnomAD compares: Non-Finnish European, 0.0035%; no homozygotes.

Submission:

Centre for Population Genomics, CPG
Classification: Likely benign for Rett syndrome. Last evaluated: 2025-01-13. Review status: criteria provided, single submitter. Criteria: McKnight et al. (Hum Mutat. 2022). Collection method: curation. Allele origin: germline. Inheritance: X-linked inheritance.
Comment: Based on the classification scheme defined by the ClinGen Rett/Angelman-like Expert Panel for Rett/AS-like Disorders Specifications to the ACMG/AMP Variant Interpretation Guidelines VCEP 3.0, this variant is classified as likely benign. At least the following criteria are met: The allele frequency of this variant in at least one population in gnomAD is between 0.008% and 0.03% (BS1).Synonymous or intronic variant outside donor and acceptor splice regions where splicing prediction algorithms do not support significant splicing alteration (spliceAI score <=0.1) (BP4, BP7).

NM_001323289.2(CDKL5):c.283-25A>G

Gene: CDKL5 (cyclin dependent kinase like 5; plus strand). Cytogenetic location: Xp22.13.
Variant type: single nucleotide variant.
Coding change: c.283-25A>G on transcript NM_001323289.2 (MANE Select); 25 bases into the intron before coding-DNA position 283, A replaced by G.
Molecular consequence: intron variant.
Genome position (GRCh38, 1-based): chrX:18,579,823, A>G. VCF-style: chrX-18579823-A-G. GRCh37 (hg19) VCF-style: chrX-18597943-A-G.
Other names: NM_003159.3:c.283-25A>G; c.283-25A>G (NM_003159.3, NM_001037343.2).
Identifiers: ClinVar variation 3602059 (VCV003602059.1).